The following is an entry in ClinVar:

NM_001572.5(IRF7):c.727_739del (p.Thr243fs)

Gene: IRF7 (interferon regulatory factor 7; minus strand). Cytogenetic location: 11p15.5.
Variant type: Deletion.
Coding change: c.727_739del on transcript NM_001572.5 (MANE Select); coding-DNA positions 727 to 739, 13 bases deleted (ACCCCCAGCCCCG).
Protein change: p.Thr243fs; shifts the reading frame from threonine 243.
Molecular consequence: frameshift variant. On other transcripts: intron variant (4).
Genome position (GRCh38, 1-based): chr11:613,978-613,990, CGGGGCTGGGGGT deleted on the plus strand (ACCCCCAGCCCCG on the coding strand, the reverse complement: IRF7 is on the minus strand); deleting any 13 consecutive bases within chr11:613,978-613,992 gives the same sequence; the c. name uses the placement nearest the transcript's 3' end. VCF-style (leftmost placement, unchanged base first): chr11-613977-CCGGGGCTGGGGGT-C. GRCh37 (hg19) VCF-style: chr11-613977-CCGGGGCTGGGGGT-C.
Other names: c.763_775del, p.Thr255fs (NM_001440440.1); c.724_736del, p.Thr242fs (NM_001440442.1); c.766_778del, p.Thr256fs (NM_004031.4); c.395-125_395-113del (NM_001440446.1); c.677-125_677-113del (NM_001440445.1); c.680-125_680-113del (NM_004029.4); c.719-125_719-113del (NM_001440444.1); short protein forms T242fs, T243fs, T255fs, T256fs.
Identifiers: ClinVar variation 4755286 (VCV004755286.1).

ClinVar aggregate classification (germline): Uncertain significance (1 of 4 stars; one submission).

Conditions:
Immunodeficiency 39 (IMD39). Identifiers: Orphanet 574918, MedGen C4225358, MONDO:0014597, OMIM 616345.

Submission:

Labcorp Genetics (formerly Invitae), Labcorp
Classification: Uncertain significance for Immunodeficiency 39. Last evaluated: 2026-02-01. Review status: criteria provided, single submitter. Criteria: Invitae Variant Classification Sherloc (09022015). Collection method: clinical testing. Allele origin: germline.
Comment: This sequence change creates a premature translational stop signal (p.Thr256Glyfs*7) in the IRF7 gene. It is expected to result in an absent or disrupted protein product. However, the current clinical and genetic evidence is not sufficient to establish whether loss-of-function variants in IRF7 cause disease. This variant is present in population databases (no rsID available, gnomAD 0.003%). This variant has not been reported in the literature in individuals affected with IRF7-related conditions. Algorithms developed to predict the effect of sequence changes on RNA splicing suggest that this variant may disrupt the consensus splice site. In summary, the available evidence is currently insufficient to determine the role of this variant in disease. Therefore, it has been classified as a Variant of Uncertain Significance.